The following is an entry in ClinVar:

NM_005687.5(FARSB):c.1069G>A (p.Asp357Asn)

Gene: FARSB (phenylalanyl-tRNA synthetase subunit beta; minus strand). Cytogenetic location: 2q36.1.
Variant type: single nucleotide variant.
Coding change: c.1069G>A on transcript NM_005687.5 (MANE Select); coding-DNA position 1069, G replaced by A.
Protein change: p.Asp357Asn; replaces aspartic acid 357 with asparagine.
Molecular consequence: missense variant. On other transcripts: non-coding transcript variant (1).
Genome position (GRCh38, 1-based): chr2:222,624,373, C>T on the plus strand (G>A on the coding strand, the complement: FARSB is on the minus strand). VCF-style: chr2-222624373-C-T. GRCh37 (hg19) VCF-style: chr2-223489092-C-T.
Other names: short protein forms D357N.
Identifiers: ClinVar variation 1356997 (VCV001356997.6), dbSNP rs1691214534, ClinGen allele CA350810693.

ClinVar aggregate classification (germline): Uncertain significance (1 of 4 stars; one submission).

Allele frequency attached by ClinVar (database versions not stated): TOPMed below 0.00001; gnomAD 0.00001.

Submission:

Labcorp Genetics (formerly Invitae), Labcorp
Classification: Uncertain significance. Last evaluated: 2025-01-06. Review status: criteria provided, single submitter. Criteria: Invitae Variant Classification Sherloc (09022015). Collection method: clinical testing. Allele origin: germline.
Comment: This sequence change replaces aspartic acid, which is acidic and polar, with asparagine, which is neutral and polar, at codon 357 of the FARSB protein (p.Asp357Asn). This variant is not present in population databases (gnomAD no frequency). This variant has not been reported in the literature in individuals affected with FARSB-related conditions. ClinVar contains an entry for this variant (Variation ID: 1356997). Invitae Evidence Modeling of protein sequence and biophysical properties (such as structural, functional, and spatial information, amino acid conservation, physicochemical variation, residue mobility, and thermodynamic stability) indicates that this missense variant is expected to disrupt FARSB protein function with a positive predictive value of 80%. In summary, the available evidence is currently insufficient to determine the role of this variant in disease. Therefore, it has been classified as a Variant of Uncertain Significance.